The following is an entry in ClinVar:

ClinVar aggregate classification (germline): Uncertain significance (1 of 4 stars; one submission).

Conditions:
Autoimmune lymphoproliferative syndrome type 2B. Also called: AUTOIMMUNE LYMPHOPROLIFERATIVE SYNDROME, TYPE IIB. Identifiers: Orphanet 275517, MedGen C1846545, MONDO:0011804, OMIM 607271.

Allele frequency attached by ClinVar (database versions not stated): gnomAD exomes 0.00001.

Submission:

Labcorp Genetics (formerly Invitae), Labcorp
Classification: Uncertain significance for Autoimmune lymphoproliferative syndrome type 2B. Last evaluated: 2022-05-12. Review status: criteria provided, single submitter. Criteria: Invitae Variant Classification Sherloc (09022015). Collection method: clinical testing. Allele origin: germline.
Comment: This sequence change replaces lysine, which is basic and polar, with arginine, which is basic and polar, at codon 267 of the CASP8 protein (p.Lys267Arg). This variant is present in population databases (rs775747472, gnomAD 0.0009%). This variant has not been reported in the literature in individuals affected with CASP8-related conditions. Algorithms developed to predict the effect of missense changes on protein structure and function (SIFT, PolyPhen-2, Align-GVGD) all suggest that this variant is likely to be tolerated. In summary, the available evidence is currently insufficient to determine the role of this variant in disease. Therefore, it has been classified as a Variant of Uncertain Significance.

NM_001372051.1(CASP8):c.749A>G (p.Lys250Arg)

Gene: CASP8 (caspase 8; plus strand). Cytogenetic location: 2q33.1.
Variant type: single nucleotide variant.
Coding change: c.749A>G on transcript NM_001372051.1 (MANE Select); coding-DNA position 749, A replaced by G.
Protein change: p.Lys250Arg; replaces lysine 250 with arginine.
Molecular consequence: missense variant. On other transcripts: synonymous variant (1), non-coding transcript variant (21), intron variant (4).
Genome position (GRCh38, 1-based): chr2:201,276,915, A>G. VCF-style: chr2-201276915-A-G. GRCh37 (hg19) VCF-style: chr2-202141638-A-G.
Other names: c.704A>G, p.Lys235Arg (NM_001080124.2, NM_001400658.1, NM_001400659.1 and 5 more transcripts); c.926A>G, p.Lys309Arg (NM_001080125.2); c.800A>G, p.Lys267Arg (NM_001228.5); c.881A>G, p.Lys294Arg (NM_001400642.1); c.782A>G, p.Lys261Arg (NM_001400645.1); c.749A>G, p.Lys250Arg (NM_001400648.1, NM_001400651.1, NM_001400653.1 and 6 more transcripts); c.680A>G, p.Lys227Arg (NM_001400664.1); c.440A>G, p.Lys147Arg (NM_001400669.1); and 7 more; short protein forms K147R, K235R, K267R, K45R, K261R, K309R, K227R, K250R.
Identifiers: ClinVar variation 2120767 (VCV002120767.1), dbSNP rs775747472, ClinGen allele CA63887821.